The following is an entry in ClinVar:

NM_006904.7(PRKDC):c.8371A>G (p.Ile2791Val)

Gene: PRKDC (protein kinase, DNA-activated, catalytic subunit; minus strand). Cytogenetic location: 8q11.21.
Variant type: single nucleotide variant.
Coding change: c.8371A>G on transcript NM_006904.7 (MANE Select); coding-DNA position 8371, A replaced by G.
Protein change: p.Ile2791Val; replaces isoleucine 2791 with valine.
Molecular consequence: missense variant.
Genome position (GRCh38, 1-based): chr8:47,830,631, T>C on the plus strand (A>G on the coding strand, the complement: PRKDC is on the minus strand). VCF-style: chr8-47830631-T-C. GRCh37 (hg19) VCF-style: chr8-48743192-T-C.
Other names: c.8371A>G, p.Ile2791Val (NM_001081640.2); short protein forms I2791V.
Identifiers: ClinVar variation 1347674 (VCV001347674.4), dbSNP rs776638945, ClinGen allele CA176152947.

ClinVar aggregate classification (germline): Uncertain significance (1 of 4 stars; one submission).

Conditions:
Severe combined immunodeficiency due to DNA-PKcs deficiency. Also called: IMMUNODEFICIENCY 26 WITH NEUROLOGIC ABNORMALITIES; Immunodeficiency 26 with or without neurologic abnormalities. Identifiers: Orphanet 317425, MedGen C4014833, MONDO:0014423, OMIM 615966.

Submission:

Labcorp Genetics (formerly Invitae), Labcorp
Classification: Uncertain significance for Severe combined immunodeficiency due to DNA-PKcs deficiency. Last evaluated: 2023-10-03. Review status: criteria provided, single submitter. Criteria: Invitae Variant Classification Sherloc (09022015). Collection method: clinical testing. Allele origin: germline.
Comment: This sequence change replaces isoleucine, which is neutral and non-polar, with valine, which is neutral and non-polar, at codon 2791 of the PRKDC protein (p.Ile2791Val). This variant is not present in population databases (gnomAD no frequency). This variant has not been reported in the literature in individuals affected with PRKDC-related conditions. ClinVar contains an entry for this variant (Variation ID: 1347674). Advanced modeling of protein sequence and biophysical properties (such as structural, functional, and spatial information, amino acid conservation, physicochemical variation, residue mobility, and thermodynamic stability) performed at Invitae indicates that this missense variant is not expected to disrupt PRKDC protein function. In summary, the available evidence is currently insufficient to determine the role of this variant in disease. Therefore, it has been classified as a Variant of Uncertain Significance.